The following is an entry in ClinVar:

NM_001130987.2(DYSF):c.4703G>A (p.Arg1568Gln)

Gene: DYSF (dysferlin; plus strand). Cytogenetic location: 2p13.2.
Variant type: single nucleotide variant.
Coding change: c.4703G>A on transcript NM_001130987.2 (MANE Select); coding-DNA position 4703, G replaced by A.
Protein change: p.Arg1568Gln; replaces arginine 1568 with glutamine.
Molecular consequence: missense variant.
Genome position (GRCh38, 1-based): chr2:71,656,238, G>A. VCF-style: chr2-71656238-G-A. GRCh37 (hg19) VCF-style: chr2-71883368-G-A.
Other names: c.4589G>A, p.Arg1530Gln (NM_001130455.2); c.4544G>A, p.Arg1515Gln (NM_001130976.2); c.4607G>A, p.Arg1536Gln (NM_001130977.2); c.4586G>A, p.Arg1529Gln (NM_003494.4); c.4649G>A, p.Arg1550Gln (NM_001130978.2); c.4679G>A, p.Arg1560Gln (NM_001130979.2); c.4637G>A, p.Arg1546Gln (NM_001130980.2); c.4700G>A, p.Arg1567Gln (NM_001130981.2); and 6 more; short protein forms R1529Q, R1551Q, R1560Q, R1516Q, R1546Q, R1536Q, R1537Q, R1547Q.
Identifiers: ClinVar variation 2171184 (VCV002171184.5), dbSNP rs191383034, ClinGen allele CA1707107.

ClinVar aggregate classification (germline): Conflicting classifications of pathogenicity. Review status: criteria provided, conflicting classifications (1 of 4 stars). 2 submissions from 2 submitters: Uncertain significance (1); Likely benign (1). Last evaluated 2025-01-23.

Conditions:
DYSF-related disorder. Also called: DYSF-related condition; DYSF-related disorders.
Neuromuscular disease caused by qualitative or quantitative defects of dysferlin. Also called: Qualitative or quantitative defects of dysferlin; Dysferlinopathy. Identifiers: Orphanet 207073, MedGen C2931687, MONDO:0016145.

Allele frequency attached by ClinVar (database versions not stated): TOPMed 0.00001; gnomAD 0.00003; ExAC 0.00009; 1000 Genomes Project 30x 0.00047; 1000 Genomes Project 0.00060.
gnomAD v4.1: 44 of 1,614,174 alleles (0.0027%); highest among the groups gnomAD compares: South Asian, 0.034%; no homozygotes.

Submissions (2):

PreventionGenetics, part of Exact Sciences
Classification: Uncertain significance for DYSF-related condition. Last evaluated: 2025-01-23. Review status: criteria provided, single submitter. Criteria: ACMG Guidelines, 2015. Collection method: clinical testing. Allele origin: germline.
Comment: The DYSF c.4586G>A variant is predicted to result in the amino acid substitution p.Arg1529Gln. To our knowledge, this variant has not been reported in the literature. This variant is reported in 0.075% of alleles in individuals of South Asian descent in gnomAD. Although we suspect that this variant may be benign, at this time, the clinical significance of this variant is uncertain due to the absence of conclusive functional and genetic evidence.

Labcorp Genetics (formerly Invitae), Labcorp
Classification: Likely benign for Neuromuscular disease caused by qualitative or quantitative defects of dysferlin. Last evaluated: 2024-02-10. Review status: criteria provided, single submitter. Criteria: Invitae Variant Classification Sherloc (09022015). Collection method: clinical testing. Allele origin: germline.